The following is an entry in ClinVar:

NM_014218.3(KIR2DL1):c.110G>C (p.Arg37Pro)

Gene: KIR2DL1 (killer cell immunoglobulin like receptor, two Ig domains and long cytoplasmic tail 1). Cytogenetic location: 19q13.42.
Variant type: single nucleotide variant.
Coding change: c.110G>C on transcript NM_014218.3 (MANE Select); coding-DNA position 110, G replaced by C.
Protein change: p.Arg37Pro; replaces arginine 37 with proline.
Molecular consequence: missense variant.
Genome position (GRCh38, 1-based): chr19:54,773,372, G>C. VCF-style: chr19-54773372-G-C. GRCh37 (hg19) VCF-style: chr19-55284824-G-C.
Other names: short protein forms R37P.
Identifiers: ClinVar variation 3060204 (VCV003060204.2), dbSNP rs35509911, ClinGen allele CA309884302.

ClinVar aggregate classification (germline): Benign (0 of 4 stars; one submission).

Conditions:
KIR2DL1-related disorder. Also called: KIR2DL1-related condition.

Allele frequency attached by ClinVar (database versions not stated): 1000 Genomes Project 30x 0.15475.
gnomAD v4.1: 413,022 of 1,552,278 alleles (27%); highest among the groups gnomAD compares: Non-Finnish European, 30%; 60,909 homozygotes.

Submission:

PreventionGenetics, part of Exact Sciences
Classification: Benign for KIR2DL1-related condition. Last evaluated: 2021-06-15. Review status: no assertion criteria provided. Collection method: clinical testing. Allele origin: germline.
Comment: This variant is classified as benign based on ACMG/AMP sequence variant interpretation guidelines (Richards et al. 2015 PMID: 25741868, with internal and published modifications).